The following is an entry in ClinVar:

ClinVar aggregate classification (germline): Uncertain significance (1 of 4 stars; one submission).

Conditions:
3-methylglutaconic aciduria type 5. Also called: CARDIOMYOPATHY, DILATED, WITH ATAXIA; MGA, TYPE V; 3 alpha methylglutaconic aciduria type V; MGA 5. Identifiers: Orphanet 66634, MedGen C1857776, MONDO:0012435, OMIM 610198.

Allele frequency attached by ClinVar (database versions not stated): gnomAD exomes below 0.00001; gnomAD 0.00001; TOPMed 0.00001.
gnomAD v4.1: 2 of 1,607,688 alleles (0.00012%); highest among the groups gnomAD compares: Non-Finnish European, 0.00017%; no homozygotes.

Submission:

Labcorp Genetics (formerly Invitae), Labcorp
Classification: Uncertain significance for 3-methylglutaconic aciduria type 5. Last evaluated: 2022-07-11. Review status: criteria provided, single submitter. Criteria: Invitae Variant Classification Sherloc (09022015). Collection method: clinical testing. Allele origin: germline.
Comment: Algorithms developed to predict the effect of missense changes on protein structure and function are either unavailable or do not agree on the potential impact of this missense change (SIFT: "Deleterious"; PolyPhen-2: "Benign"; Align-GVGD: "Class C0"). In summary, the available evidence is currently insufficient to determine the role of this variant in disease. Therefore, it has been classified as a Variant of Uncertain Significance. This variant has not been reported in the literature in individuals affected with DNAJC19-related conditions. This variant is present in population databases (no rsID available, gnomAD 0.0009%). This sequence change replaces glutamic acid, which is acidic and polar, with alanine, which is neutral and non-polar, at codon 111 of the DNAJC19 protein (p.Glu111Ala).

NM_145261.4(DNAJC19):c.332A>C (p.Glu111Ala)

Gene: DNAJC19 (DnaJ heat shock protein family (Hsp40) member C19; minus strand). Cytogenetic location: 3q26.33.
Variant type: single nucleotide variant.
Coding change: c.332A>C on transcript NM_145261.4 (MANE Select); coding-DNA position 332, A replaced by C.
Protein change: p.Glu111Ala; replaces glutamic acid 111 with alanine.
Molecular consequence: missense variant. On other transcripts: non-coding transcript variant (4).
Genome position (GRCh38, 1-based): chr3:180,984,659, T>G on the plus strand (A>C on the coding strand, the complement: DNAJC19 is on the minus strand). VCF-style: chr3-180984659-T-G. GRCh37 (hg19) VCF-style: chr3-180702447-T-G.
Other names: c.257A>C, p.Glu86Ala (NM_001190233.2); short protein forms E111A, E86A.
Identifiers: ClinVar variation 2198930 (VCV002198930.4), dbSNP rs968957502, ClinGen allele CA89106333.